The following continues an entry in ClinVar:

NM_177438.3(DICER1):c.5125G>A (p.Asp1709Asn)

Gene: DICER1. ClinVar aggregate classification (germline): Pathogenic. Pathogenic (1). ClinVar aggregate classification (somatic clinical impact): Tier I - Strong. ClinVar aggregate classification (oncogenicity): Oncogenic.

Submissions 8 to 12 of 12:

Institute for Genomic Medicine (IGM) Clinical Laboratory, Nationwide Children's Hospital
Classification: Tier I - Strong for Embryonal rhabdomyosarcoma. Assertion type: diagnostic. Clinical significance: supports diagnosis. Last evaluated: 2023-07-24. Review status: criteria provided, single submitter. Criteria: AMP/ASCO/CAP Guidelines, 2017. Collection method: clinical testing. Allele origin: somatic. Affected: yes.
Comment: Variant has Tier I (strong) clinical significance as a diagnostic inclusion criterion in embryonal rhabdomyosarcoma, based on the following evidence: 1) Documented in one or more cancer databases (e.g., St. Jude Pecan, COSMIC, CIViC, OncoKB). 2) Appears in one or more well-established professional guidelines (e.g., World Health Organization [WHO]; National Comprehensive Cancer Network [NCCN]) as providing diagnostic, prognostic, or therapeutic information. 3) Information in the literature supports potential biologic effect of variant (PMIDs: 22187960, 26033159, 26545620). 4) Diagnostic for a specific tumor type/classification based on well-powered studies with expert-level consensus (Evidence Level B; PMIDs: 22180160, 31900434, 31990691, 33135284, 33484847, 33846547, 34017064, 34166060, 35941719).

Institute for Genomic Medicine (IGM) Clinical Laboratory, Nationwide Children's Hospital
Classification: Tier I - Strong for Sertoli-Leydig cell tumor. Assertion type: diagnostic. Clinical significance: supports diagnosis. Last evaluated: 2023-07-07. Review status: criteria provided, single submitter. Criteria: AMP/ASCO/CAP Guidelines, 2017. Collection method: clinical testing. Allele origin: somatic. Affected: yes.
Comment: Variant has Tier I (strong) clinical significance as a diagnostic inclusion criterion in Sertoli-Leydig cell tumor, based on the following evidence: 1) Documented in one or more cancer databases (e.g., St. Jude Pecan, COSMIC, CIViC, OncoKB). 2) Appears in one or more well-established professional guidelines (e.g., World Health Organization [WHO]; National Comprehensive Cancer Network [NCCN]) as providing diagnostic, prognostic, or therapeutic information. 3) Diagnostic for a specific tumor type/classification based on well-powered studies with expert-level consensus (Evidence Level B; PMIDs: 22187960, 24136150, 26033501, 26428316, 28654427).

Institute for Genomic Medicine (IGM) Clinical Laboratory, Nationwide Children's Hospital
Classification: Tier I - Strong for Primary intracranial sarcoma, DICER1-mutant. Assertion type: diagnostic. Clinical significance: supports diagnosis. Last evaluated: 2022-11-04. Review status: criteria provided, single submitter. Criteria: AMP/ASCO/CAP Guidelines, 2017. Collection method: clinical testing. Allele origin: somatic. Affected: yes.
Comment: Variant has Tier I (strong) clinical significance as a diagnostic inclusion criterion in primary intracranial sarcoma, DICER1-mutant, based on the following evidence: 1) Documented in one or more cancer databases (e.g., St. Jude Pecan, COSMIC, CIViC, OncoKB). 2) Appears in one or more well-established professional guidelines (e.g., World Health Organization [WHO]; National Comprehensive Cancer Network [NCCN]) as providing diagnostic, prognostic, or therapeutic information. 3) Information in the literature supports potential biologic effect of variant (PMID: 26033159). 4) Diagnostic for a specific tumor type/classification according to professional guidelines (Evidence Level A).

Foulkes Cancer Genetics LDI, Lady Davis Institute for Medical Research
Classification: Pathogenic for Pleuropulmonary blastoma. Last evaluated: 2019-07-01. Review status: criteria provided, single submitter. Criteria: ACMG Guidelines, 2015. Collection method: curation. Allele origin: somatic, de novo, unknown. Affected: yes. Observed: 83 variant alleles. Not counted in ClinVar's aggregate classification.
Comment: ACMG criteria met: PS2, PS3, PM1, PM2, PP4

PreventionGenetics, part of Exact Sciences
Classification: Pathogenic. Last evaluated: 2019-04-16. Review status: criteria provided, single submitter. Criteria: ACMG Guidelines, 2015. Collection method: clinical testing. Allele origin: germline. Not counted in ClinVar's aggregate classification.

Literature cited by the submitters: PubMed 22187960 (cited by 4 submitters); PubMed 26033159 (cited by Institute for Genomic Medicine (IGM) Clinical Laboratory, Nationwide Children's Hospital); PubMed 31990691 (cited by Institute for Genomic Medicine (IGM) Clinical Laboratory, Nationwide Children's Hospital); PubMed 25836323 (cited by Institute for Genomic Medicine (IGM) Clinical Laboratory, Nationwide Children's Hospital); PubMed 31537896 (cited by Institute for Genomic Medicine (IGM) Clinical Laboratory, Nationwide Children's Hospital); PubMed 33135284 (cited by Institute for Genomic Medicine (IGM) Clinical Laboratory, Nationwide Children's Hospital); PubMed 40161378 (cited by Institute for Genomic Medicine (IGM) Clinical Laboratory, Nationwide Children's Hospital); PubMed 31900434 (cited by Institute for Genomic Medicine (IGM) Clinical Laboratory, Nationwide Children's Hospital); PubMed 28654427 (cited by Institute for Genomic Medicine (IGM) Clinical Laboratory, Nationwide Children's Hospital and Foulkes Cancer Genetics LDI, Lady Davis Institute for Medical Research); PubMed 28751916 (cited by Institute for Genomic Medicine (IGM) Clinical Laboratory, Nationwide Children's Hospital); PubMed 29474644 (cited by Institute for Genomic Medicine (IGM) Clinical Laboratory, Nationwide Children's Hospital and Foulkes Cancer Genetics LDI, Lady Davis Institute for Medical Research); PubMed 24617712 (cited by Institute for Genomic Medicine (IGM) Clinical Laboratory, Nationwide Children's Hospital); PubMed 26555935 (cited by Institute for Genomic Medicine (IGM) Clinical Laboratory, Nationwide Children's Hospital); PubMed 36251117 (cited by Institute for Genomic Medicine (IGM) Clinical Laboratory, Nationwide Children's Hospital); PubMed 38558329 (cited by Institute for Genomic Medicine (IGM) Clinical Laboratory, Nationwide Children's Hospital); PubMed 39283830 (cited by Institute for Genomic Medicine (IGM) Clinical Laboratory, Nationwide Children's Hospital); PubMed 17923214 (cited by Ambry Genetics); PubMed 22546613 (cited by Ambry Genetics); PubMed 23132766 (cited by Ambry Genetics); PubMed 24839956 (cited by Ambry Genetics and Foulkes Cancer Genetics LDI, Lady Davis Institute for Medical Research); PubMed 25176334 (cited by Ambry Genetics); PubMed 26475046 (cited by Ambry Genetics and Foulkes Cancer Genetics LDI, Lady Davis Institute for Medical Research); PubMed 26545620 (cited by 3 submitters); PubMed 26925222 (cited by Ambry Genetics); PubMed 31342592 (cited by Ambry Genetics); PubMed 23868280 (cited by Institute for Genomic Medicine (IGM) Clinical Laboratory, Nationwide Children's Hospital); PubMed 24675358 (cited by Institute for Genomic Medicine (IGM) Clinical Laboratory, Nationwide Children's Hospital and Foulkes Cancer Genetics LDI, Lady Davis Institute for Medical Research); PubMed 24909177 (cited by Institute for Genomic Medicine (IGM) Clinical Laboratory, Nationwide Children's Hospital and Foulkes Cancer Genetics LDI, Lady Davis Institute for Medical Research); PubMed 28624956 (cited by Institute for Genomic Medicine (IGM) Clinical Laboratory, Nationwide Children's Hospital); PubMed 31603374 (cited by Institute for Genomic Medicine (IGM) Clinical Laboratory, Nationwide Children's Hospital); PubMed 22180160 (cited by Institute for Genomic Medicine (IGM) Clinical Laboratory, Nationwide Children's Hospital); PubMed 33484847 (cited by Institute for Genomic Medicine (IGM) Clinical Laboratory, Nationwide Children's Hospital); PubMed 33846547 (cited by Institute for Genomic Medicine (IGM) Clinical Laboratory, Nationwide Children's Hospital); PubMed 34017064 (cited by Institute for Genomic Medicine (IGM) Clinical Laboratory, Nationwide Children's Hospital); PubMed 34166060 (cited by Institute for Genomic Medicine (IGM) Clinical Laboratory, Nationwide Children's Hospital); PubMed 35941719 (cited by Institute for Genomic Medicine (IGM) Clinical Laboratory, Nationwide Children's Hospital); PubMed 24136150 (cited by Institute for Genomic Medicine (IGM) Clinical Laboratory, Nationwide Children's Hospital and Foulkes Cancer Genetics LDI, Lady Davis Institute for Medical Research); PubMed 26033501 (cited by Institute for Genomic Medicine (IGM) Clinical Laboratory, Nationwide Children's Hospital and Foulkes Cancer Genetics LDI, Lady Davis Institute for Medical Research); PubMed 26428316 (cited by Institute for Genomic Medicine (IGM) Clinical Laboratory, Nationwide Children's Hospital and Foulkes Cancer Genetics LDI, Lady Davis Institute for Medical Research); PubMed 21882293 (cited by Foulkes Cancer Genetics LDI, Lady Davis Institute for Medical Research); PubMed 27459524 (cited by Foulkes Cancer Genetics LDI, Lady Davis Institute for Medical Research); PubMed 23728841 (cited by Foulkes Cancer Genetics LDI, Lady Davis Institute for Medical Research); PubMed 24481001 (cited by Foulkes Cancer Genetics LDI, Lady Davis Institute for Medical Research); PubMed 26289771 (cited by Foulkes Cancer Genetics LDI, Lady Davis Institute for Medical Research); PubMed 26592504 (cited by Foulkes Cancer Genetics LDI, Lady Davis Institute for Medical Research); PubMed 26983701 (cited by Foulkes Cancer Genetics LDI, Lady Davis Institute for Medical Research); PubMed 27126690 (cited by Foulkes Cancer Genetics LDI, Lady Davis Institute for Medical Research); PubMed 26928971 (cited by Foulkes Cancer Genetics LDI, Lady Davis Institute for Medical Research); PubMed 27664536 (cited by Foulkes Cancer Genetics LDI, Lady Davis Institute for Medical Research); PubMed 28177962 (cited by Foulkes Cancer Genetics LDI, Lady Davis Institute for Medical Research); PubMed 28323992 (cited by Foulkes Cancer Genetics LDI, Lady Davis Institute for Medical Research); PubMed 28862265 (cited by Foulkes Cancer Genetics LDI, Lady Davis Institute for Medical Research); PubMed 28825729 (cited by Foulkes Cancer Genetics LDI, Lady Davis Institute for Medical Research); PubMed 29037807 (cited by Foulkes Cancer Genetics LDI, Lady Davis Institute for Medical Research); PubMed 29315962 (cited by Foulkes Cancer Genetics LDI, Lady Davis Institute for Medical Research); PubMed 29881993 (cited by Foulkes Cancer Genetics LDI, Lady Davis Institute for Medical Research); PubMed 30260442 (cited by Foulkes Cancer Genetics LDI, Lady Davis Institute for Medical Research); PubMed 30266945 (cited by Foulkes Cancer Genetics LDI, Lady Davis Institute for Medical Research).